The following is an entry in ClinVar:

NM_018671.5(UNC45A):c.889A>G (p.Asn297Asp)

Gene: UNC45A (unc-45 myosin chaperone A; plus strand). Cytogenetic location: 15q26.1.
Variant type: single nucleotide variant.
Coding change: c.889A>G on transcript NM_018671.5 (MANE Select); coding-DNA position 889, A replaced by G.
Protein change: p.Asn297Asp; replaces asparagine 297 with aspartic acid.
Molecular consequence: missense variant.
Genome position (GRCh38, 1-based): chr15:90,942,944, A>G. VCF-style: chr15-90942944-A-G. GRCh37 (hg19) VCF-style: chr15-91486174-A-G.
Other names: c.844A>G, p.Asn282Asp (NM_001039675.2, NM_001323621.2); c.889A>G, p.Asn297Asp (NM_001323619.1); c.454A>G, p.Asn152Asp (NM_001323620.2); short protein forms N297D, N152D, N282D.
Identifiers: ClinVar variation 2001404 (VCV002001404.4), dbSNP rs2036368358, ClinGen allele CA393852970.

ClinVar aggregate classification (germline): Uncertain significance (1 of 4 stars; one submission).

Allele frequency attached by ClinVar (database versions not stated): gnomAD exomes below 0.00001; TOPMed 0.00001.
gnomAD v4.1: 2 of 1,613,108 alleles (0.00012%); highest among the groups gnomAD compares: African/African-American, 0.0027%; no homozygotes.

Submission:

Labcorp Genetics (formerly Invitae), Labcorp
Classification: Uncertain significance. Last evaluated: 2022-05-31. Review status: criteria provided, single submitter. Criteria: Invitae Variant Classification Sherloc (09022015). Collection method: clinical testing. Allele origin: germline.
Comment: In summary, the available evidence is currently insufficient to determine the role of this variant in disease. Therefore, it has been classified as a Variant of Uncertain Significance. Algorithms developed to predict the effect of missense changes on protein structure and function are either unavailable or do not agree on the potential impact of this missense change (SIFT: "Not Available"; PolyPhen-2: "Benign"; Align-GVGD: "Not Available"). This variant has not been reported in the literature in individuals affected with UNC45A-related conditions. This variant is not present in population databases (gnomAD no frequency). This sequence change replaces asparagine, which is neutral and polar, with aspartic acid, which is acidic and polar, at codon 297 of the UNC45A protein (p.Asn297Asp).